The following is an entry in ClinVar:

ClinVar aggregate classification (germline): Likely pathogenic (1 of 4 stars; one submission).

Conditions:
Dilated cardiomyopathy 1G (CMD1G). Identifiers: Orphanet 154, MedGen C1858763, MONDO:0011400, OMIM 604145.

Submission:

Regional Center For Medical Genetics Timis, Louis Turcanu Emergency Hospital for Children Timisoara
Classification: Likely pathogenic for Dilated cardiomyopathy 1G. Last evaluated: 2024-05-24. Review status: criteria provided, single submitter. Criteria: ACMG Guidelines, 2015. Collection method: research. Allele origin: germline. Affected: yes.
Comment: The TTN variant is not present in the healthy population databases (gnomAD v4.1.0 exomes and genomes). This variant leads to frameshift, premature stop codon occurrence, and loss of function (LOF). TTN LOF variants are reported in dilated cardiomyopathy. The variant is expressed by the main adult cardiac TTN transcripts (N2BA and N2B) in a symmetrical constitutive exon in the band I domain. Therefore, the variant was classified as likely pathogenic, according to ACMG 2015 guidelines.

NM_001267550.2(TTN):c.11662G>T (p.Gly3888Ter)

Gene: TTN (titin; minus strand). Cytogenetic location: 2q31.2.
Variant type: single nucleotide variant.
Coding change: c.11662G>T on transcript NM_001267550.2 (MANE Select); coding-DNA position 11662, G replaced by T.
Protein change: p.Gly3888Ter; replaces glycine 3888 with a stop codon.
Molecular consequence: nonsense. On other transcripts: intron variant (1).
Genome position (GRCh38, 1-based): chr2:178,741,571, C>A on the plus strand (G>T on the coding strand, the complement: TTN is on the minus strand). VCF-style: chr2-178741571-C-A. GRCh37 (hg19) VCF-style: chr2-179606298-C-A.
Other names: c.10711G>T, p.Gly3571Ter (NM_001256850.1); c.10573G>T, p.Gly3525Ter (NM_003319.4); c.10948G>T, p.Gly3650Ter (NM_133432.3); c.11149G>T, p.Gly3717Ter (NM_133437.4); c.10361-3211G>T (NM_133378.4); short protein forms G3525*, G3571*, G3650*, G3717*, G3888*.
Identifiers: ClinVar variation 3242609 (VCV003242609.2), dbSNP rs2530727228.